The following is an entry in ClinVar:

ClinVar aggregate classification (germline): Uncertain significance (1 of 4 stars; one submission).

Conditions:
Hereditary cancer-predisposing syndrome. Also called: Tumor predisposition; Hereditary neoplastic syndrome; Neoplastic Syndromes, Hereditary; Hereditary Cancer Syndrome. Identifiers: Orphanet 140162, MedGen C0027672, MeSH D009386, MONDO:0015356.

gnomAD v4.1: 1 of 1,613,088 alleles (0.000062%); highest among the groups gnomAD compares: African/African-American, 0.0013%; no homozygotes.

Submission:

Ambry Genetics
Classification: Uncertain significance for Hereditary cancer-predisposing syndrome. Last evaluated: 2025-04-12. Review status: criteria provided, single submitter. Criteria: Ambry Variant Classification Scheme 2023. Collection method: clinical testing. Allele origin: germline.
Comment: The p.D1188H variant (also known as c.3562G>C), located in coding exon 18 of the BLM gene, results from a G to C substitution at nucleotide position 3562. The aspartic acid at codon 1188 is replaced by histidine, an amino acid with similar properties. This amino acid position is conserved. In addition, this alteration is predicted to be tolerated by in silico analysis. Based on the available evidence, the clinical significance of this variant remains unclear.

NM_000057.4(BLM):c.3562G>C (p.Asp1188His)

Gene: BLM (BLM RecQ like helicase; plus strand). Cytogenetic location: 15q26.1.
Variant type: single nucleotide variant.
Coding change: c.3562G>C on transcript NM_000057.4 (MANE Select); coding-DNA position 3562, G replaced by C.
Protein change: p.Asp1188His; replaces aspartic acid 1188 with histidine.
Molecular consequence: missense variant. On other transcripts: intron variant (1).
Genome position (GRCh38, 1-based): chr15:90,804,170, G>C. VCF-style: chr15-90804170-G-C. GRCh37 (hg19) VCF-style: chr15-91347400-G-C.
Other names: c.3359-4967G>C (NM_001287247.2); c.3562G>C, p.Asp1188His (NM_001287246.2); c.2437G>C, p.Asp813His (NM_001287248.2); short protein forms D1188H, D813H.
Identifiers: ClinVar variation 3991642 (VCV003991642.1).